The following is an entry in ClinVar:

ClinVar aggregate classification (germline): Benign/Likely benign. Review status: criteria provided, multiple submitters, no conflicts (2 of 4 stars). 4 submissions from 4 submitters: Benign (1); Likely benign (3). Last evaluated 2024-09-13.

Conditions:
Occult macular dystrophy (OCMD). Also called: OMD; OCCULT MACULAR DYSTROPHY, SUSCEPTIBILITY TO. Identifiers: Orphanet 247834, MedGen C3150833, MONDO:0013316, OMIM 613587, HP:0030636.

Allele frequency attached by ClinVar (database versions not stated): gnomAD exomes 0.00043 and 0.00085; ExAC 0.00091; 1000 Genomes Project 0.00240; 1000 Genomes Project 30x 0.00281; ESP Exome Variant Server 0.00296; gnomAD 0.00352 and 0.00377; TOPMed 0.00381.
gnomAD v4.1: 1,207 of 1,613,244 alleles (0.075%); highest among the groups gnomAD compares: African/African-American, 1.3%; 8 homozygotes.

Submissions (4):

Blueprint Genetics
Classification: Likely benign. Last evaluated: 2024-09-13. Review status: criteria provided, single submitter. Criteria: ACMG Guidelines, 2015. Collection method: clinical testing. Allele origin: germline.

CeGaT Center for Human Genetics Tuebingen
Classification: Benign. Last evaluated: 2024-07-01. Review status: criteria provided, single submitter. Criteria: CeGaT Center For Human Genetics Tuebingen Variant Classification Criteria Version 2. Collection method: clinical testing. Allele origin: germline. Affected: yes. Observed: 1 variant allele.
Comment: RP1L1: BP4, BS1, BS2

Illumina Laboratory Services, Illumina
Classification: Likely benign for Occult macular dystrophy. Last evaluated: 2017-04-28. Review status: criteria provided, single submitter. Criteria: ICSL Variant Classification Criteria 13 December 2019. Collection method: clinical testing. Allele origin: germline.
Comment: This variant was observed as part of a predisposition screen in an ostensibly healthy population. A literature search was performed for the gene, cDNA change, and amino acid change (where applicable). No publications were found based on this search. Allele frequency data from public databases allowed determination this variant is unlikely to cause disease. Therefore, this variant is classified as likely benign.

Breakthrough Genomics
Classification: Likely benign. Review status: criteria provided, single submitter. Criteria: ACMG Guidelines, 2015. Collection method: not provided. Allele origin: germline. Inheritance: Autosomal recessive inheritance. Affected: yes.

NM_178857.6(RP1L1):c.1870G>A (p.Ala624Thr)

Gene: RP1L1 (RP1 like 1). Cytogenetic location: 8p23.1.
Variant type: single nucleotide variant.
Coding change: c.1870G>A on transcript NM_178857.6 (MANE Select); coding-DNA position 1870, G replaced by A.
Protein change: p.Ala624Thr; replaces alanine 624 with threonine.
Molecular consequence: missense variant.
Genome position (GRCh38, 1-based): chr8:10,612,228, C>T on the plus strand (G>A on the coding strand, the complement: RP1L1 is on the minus strand). VCF-style: chr8-10612228-C-T. GRCh37 (hg19) VCF-style: chr8-10469738-C-T.
Other names: short protein forms A624T.
Identifiers: ClinVar variation 361363 (VCV000361363.24), dbSNP rs141846905, ClinGen allele CA4625031.